The following is an entry in ClinVar:

NM_000049.4(ASPA):c.539G>T (p.Gly180Val)

Genes: ASPA (aspartoacylase; plus strand), SPATA22 (spermatogenesis associated 22; minus strand). Cytogenetic location: 17p13.2.
Variant type: single nucleotide variant.
Coding change: c.539G>T on transcript NM_000049.4 (MANE Select); coding-DNA position 539, G replaced by T.
Protein change: p.Gly180Val; replaces glycine 180 with valine.
Molecular consequence: missense variant. On other transcripts: intron variant (2).
Genome position (GRCh38, 1-based): chr17:3,489,247, G>T. VCF-style: chr17-3489247-G-T. GRCh37 (hg19) VCF-style: chr17-3392541-G-T.
Other names: c.539G>T, p.Gly180Val (NM_001128085.1); c.-73-19849C>A (NM_001321336.2, NM_001321337.2); short protein forms G180V.
Identifiers: ClinVar variation 554476 (VCV000554476.12), dbSNP rs1014551540, ClinGen allele CA287016793.
Genomic context (GRCh38, chr17:3,489,247, plus strand): 5'-ATATTTTCATACTTATATAAATGTGACTATCTCTCCTTCTGTACCTAGGTATAGAAGTTG[G>T]TCCTCAGCCTCAAGGGGTTCTGAGAGCTGATATCTTGGATCAAATGAGAAAAATGATTAA-3'
Protein context (NP_000040.1, residues 170-190): IAKYPVGIEV[Gly180Val]PQPQGVLRAD

ClinVar aggregate classification (germline): Conflicting classifications of pathogenicity. Review status: criteria provided, conflicting classifications (1 of 4 stars). 7 submissions from 7 submitters: Likely pathogenic (5); Uncertain significance (1). 1 of the submissions does not count toward it. Last evaluated 2026-06-05.

Conditions:
Canavan Disease, Familial Form. Identifiers: MedGen C0751663.
Spongy degeneration of central nervous system. Also called: Canavan disease; Von Bogaert-Bertrand disease; ACY2 DEFICIENCY; AMINOACYLASE 2 DEFICIENCY; ASP DEFICIENCY; ASPA DEFICIENCY. Identifiers: Orphanet 141, MedGen C0206307, MONDO:0010079, OMIM 271900.

Allele frequency attached by ClinVar (database versions not stated): gnomAD 0.00002 and 0.00001; TOPMed 0.00002.
gnomAD v4.1: 4 of 1,610,862 alleles (0.00025%); highest among the groups gnomAD compares: African/African-American, 0.0053%; no homozygotes.

Submissions (7):

Myriad Genetics, Inc.
Classification: Uncertain significance for Spongy degeneration of central nervous system. Last evaluated: 2026-06-05. Review status: criteria provided, single submitter. Criteria: Myriad Autosomal Dominant, Autosomal Recessive and X-Linked Classification Criteria (2023). Collection method: clinical testing. Allele origin: unknown.
Comment: NM_000049.2(ASPA):c.539G>T(G180V) is a missense variant classified as a variant of uncertain significance in the context of Canavan disease. G180V has been observed in a case with relevant disease (PMID: 28101991). Relevant functional assessments of this variant are available in the literature (PMID: 28101991). Internal structural analysis of the variant is supportive of pathogenicity. G180V has not been observed in referenced population frequency databases. In summary, there is insufficient evidence to classify NM_000049.2(ASPA):c.539G>T(G180V) as pathogenic or benign. Please note: this variant was assessed in the context of healthy population screening.

Natera, Inc.
Classification: Likely pathogenic for Canavan Disease. Last evaluated: 2025-11-03. Review status: criteria provided, single submitter. Criteria: Natera Variant Classification Schema (03/2026). Collection method: clinical testing. Allele origin: germline.
Comment: The c.539G>T variant in ASPA is a missense variant predicted to cause substitution of glycine to valine at amino acid 180. This variant is rare in the general population with a frequency below the threshold expected for the associated phenotype(s). This variant has been observed in one or more individuals affected with the associated recessive disease, as either homozygous or compound heterozygous with a second variant (PMID: 28101991). This variant has been identified in one or more affected individual with a phenotype highly consistent with the associated gene (PMID: 28101991). Functional studies show that this variant may disrupt protein function (PMID: 28101991). Computational prediction algorithms indicate this variant is likely to affect gene or protein function. Given the available evidence, this variant is classified as Likely Pathogenic.

Fulgent Genetics
Classification: Likely pathogenic for Spongy degeneration of central nervous system. Last evaluated: 2024-02-20. Review status: criteria provided, single submitter. Criteria: ACMG Guidelines, 2015. Collection method: clinical testing. Allele origin: germline.

Women's Health and Genetics/Laboratory Corporation of America, LabCorp
Classification: Likely pathogenic for Canavan Disease, Familial Form. Last evaluated: 2023-07-31. Review status: criteria provided, single submitter. Criteria: LabCorp Variant Classification Summary - May 2015. Collection method: clinical testing. Allele origin: germline.
Comment: Variant summary: ASPA c.539G>T (p.Gly180Val) results in a non-conservative amino acid change in the encoded protein sequence. Five of five in-silico tools predict a damaging effect of the variant on protein function. The variant was absent in 251224 control chromosomes. c.539G>T has been reported in the literature in at least one compound heterozygous individual affected with Canavan Disease (e.g., Mendes_2017). At least one publication reports experimental evidence evaluating an impact on protein function. Enzyme activity in cell lysates of HEK293 transfected with the variant was noted to be under 1% of WT (Mednes_2017). The following publication have been ascertained in the context of this evaluation (PMID: 28101991). Two submitters have cited clinical-significance assessments for this variant to ClinVar after 2014; one submitter classified the variant as likely pathogenic, and one submitter classified the variant as uncertain significance. Based on the evidence outlined above, the variant was classified as likely pathogenic.

Labcorp Genetics (formerly Invitae), Labcorp
Classification: Likely pathogenic for Spongy degeneration of central nervous system. Last evaluated: 2023-06-21. Review status: criteria provided, single submitter. Criteria: Invitae Variant Classification Sherloc (09022015). Collection method: clinical testing. Allele origin: germline.
Comment: In summary, the currently available evidence indicates that the variant is pathogenic, but additional data are needed to prove that conclusively. Therefore, this variant has been classified as Likely Pathogenic. Experimental studies have shown that this missense change affects ASPA function (PMID: 28101991). Advanced modeling of protein sequence and biophysical properties (such as structural, functional, and spatial information, amino acid conservation, physicochemical variation, residue mobility, and thermodynamic stability) performed at Invitae indicates that this missense variant is expected to disrupt ASPA protein function. ClinVar contains an entry for this variant (Variation ID: 554476). This missense change has been observed in individual(s) with ASPA-related conditions (PMID: 28101991). This variant is not present in population databases (gnomAD no frequency). This sequence change replaces glycine, which is neutral and non-polar, with valine, which is neutral and non-polar, at codon 180 of the ASPA protein (p.Gly180Val).

Baylor Genetics
Classification: Likely pathogenic for Spongy degeneration of central nervous system. Last evaluated: 2023-04-10. Review status: criteria provided, single submitter. Criteria: ACMG Guidelines, 2015. Collection method: clinical testing. Allele origin: unknown.

Counsyl
Classification: Uncertain significance for Spongy degeneration of central nervous system. Last evaluated: 2017-10-19. Review status: no assertion criteria provided. Collection method: clinical testing. Allele origin: unknown. Not counted in ClinVar's aggregate classification.

Literature cited by the submitters: PubMed 28101991 (cited by 5 submitters).